The following is an entry in ClinVar:

NM_004526.4(MCM2):c.1589C>T (p.Ser530Leu)

Gene: MCM2 (minichromosome maintenance complex component 2; plus strand). Cytogenetic location: 3q21.3.
Variant type: single nucleotide variant.
Coding change: c.1589C>T on transcript NM_004526.4 (MANE Select); coding-DNA position 1589, C replaced by T.
Protein change: p.Ser530Leu; replaces serine 530 with leucine.
Molecular consequence: missense variant. On other transcripts: non-coding transcript variant (1).
Genome position (GRCh38, 1-based): chr3:127,616,934, C>T. VCF-style: chr3-127616934-C-T. GRCh37 (hg19) VCF-style: chr3-127335777-C-T.
Other names: short protein forms S530L.
Identifiers: ClinVar variation 3701442 (VCV003701442.2).

ClinVar aggregate classification (germline): Uncertain significance (1 of 4 stars; one submission).

gnomAD v4.1: 14 of 1,614,052 alleles (0.00087%); highest among the groups gnomAD compares: Non-Finnish European, 0.0012%; no homozygotes.

Submission:

Labcorp Genetics (formerly Invitae), Labcorp
Classification: Uncertain significance. Last evaluated: 2024-03-11. Review status: criteria provided, single submitter. Criteria: Invitae Variant Classification Sherloc (09022015). Collection method: clinical testing. Allele origin: germline.
Comment: This sequence change replaces serine, which is neutral and polar, with leucine, which is neutral and non-polar, at codon 530 of the MCM2 protein (p.Ser530Leu). This variant is not present in population databases (gnomAD no frequency). This variant has not been reported in the literature in individuals affected with MCM2-related conditions. Advanced modeling of protein sequence and biophysical properties (such as structural, functional, and spatial information, amino acid conservation, physicochemical variation, residue mobility, and thermodynamic stability) performed at Invitae indicates that this missense variant is expected to disrupt MCM2 protein function with a positive predictive value of 80%. In summary, the available evidence is currently insufficient to determine the role of this variant in disease. Therefore, it has been classified as a Variant of Uncertain Significance.